The following is an entry in ClinVar:

ClinVar aggregate classification (germline): Likely benign. Review status: criteria provided, multiple submitters, no conflicts (2 of 4 stars). 2 submissions from 2 submitters: Likely benign (2). Last evaluated 2025-07-27.

Allele frequency attached by ClinVar (database versions not stated): ESP Exome Variant Server 0.00016; 1000 Genomes Project 30x 0.00031; 1000 Genomes Project 0.00040.
gnomAD v4.1: 57 of 1,588,754 alleles (0.0036%); highest among the groups gnomAD compares: African/African-American, 0.042%; no homozygotes.

Submissions (2):

Labcorp Genetics (formerly Invitae), Labcorp
Classification: Likely benign. Last evaluated: 2025-07-27. Review status: criteria provided, single submitter. Criteria: Invitae Variant Classification Sherloc (09022015). Collection method: clinical testing. Allele origin: germline.

Laboratory for Molecular Medicine, Mass General Brigham Personalized Medicine
Classification: Likely benign. Last evaluated: 2016-05-21. Review status: criteria provided, single submitter. Criteria: LMM Criteria. Collection method: clinical testing. Allele origin: germline. Observed: 1 variant allele.
Comment: p.Ser220Ser in exon 5 of MYH14: This variant is not expected to have clinical si gnificance because it does not alter an amino acid residue and is not located wi thin the splice consensus sequence. It has been identified in 7/52130 chromosome s by the Exome Aggregation Consortium (ExAC; dbS NP rs201835322).

NM_001145809.2(MYH14):c.660G>A (p.Ser220=)

Gene: MYH14 (myosin heavy chain 14; plus strand). Cytogenetic location: 19q13.33.
Variant type: single nucleotide variant.
Coding change: c.660G>A on transcript NM_001145809.2 (MANE Select); coding-DNA position 660, G replaced by A.
Protein change: p.Ser220=; no amino-acid change (serine 220 retained).
Molecular consequence: synonymous variant.
Genome position (GRCh38, 1-based): chr19:50,223,316, G>A. VCF-style: chr19-50223316-G-A. GRCh37 (hg19) VCF-style: chr19-50726573-G-A.
Other names: c.660G>A, p.Ser220= (NM_001077186.2, NM_024729.4).
Identifiers: ClinVar variation 504945 (VCV000504945.9), dbSNP rs201835322, ClinGen allele CA9592338.